The following is an entry in ClinVar:

ClinVar aggregate classification (germline): Pathogenic (1 of 4 stars; one submission).

Submission:

GeneDx
Classification: Pathogenic. Last evaluated: 2017-12-12. Review status: criteria provided, single submitter. Criteria: GeneDx Variant Classification (06012015). Collection method: clinical testing. Allele origin: germline. Affected: yes.
Comment: The E1298X variant in the SCN2A gene has not been reported previously as a pathogenic variant nor as a benign variant, to our knowledge. This variant is predicted to cause loss of normal protein function either through protein truncation or nonsense-mediated mRNA decay. The E1298X variant is not observed in large population cohorts (Lek et al., 2016). We interpret E1298X as a pathogenic variant.

NM_001040142.2(SCN2A):c.3892G>T (p.Glu1298Ter)

Gene: SCN2A (sodium voltage-gated channel alpha subunit 2; plus strand). Cytogenetic location: 2q24.3.
Variant type: single nucleotide variant.
Coding change: c.3892G>T on transcript NM_001040142.2 (MANE Select); coding-DNA position 3892, G replaced by T.
Protein change: p.Glu1298Ter; replaces glutamic acid 1298 with a stop codon.
Molecular consequence: nonsense.
Genome position (GRCh38, 1-based): chr2:165,373,267, G>T. VCF-style: chr2-165373267-G-T. GRCh37 (hg19) VCF-style: chr2-166229777-G-T.
Other names: c.3892G>T, p.Glu1298Ter (NM_001040143.2, NM_001371246.1, NM_001371247.1 and 1 more transcripts); short protein forms E1298*.
Identifiers: ClinVar variation 489238 (VCV000489238.2), dbSNP rs1553593030, ClinGen allele CA349029000.
Genomic context (GRCh38, chr2:165,373,267, plus strand): 5'-GTTGCTTTTTCTGTATAGGTCTCACTGGTTAGCTTAACTGCAAATGCCTTGGGTTACTCA[G>T]AACTTGGTGCCATCAAATCCCTCAGAACACTAAGAGCTCTGAGGCCACTGAGAGCTTTGT-3'